The following is an entry in ClinVar:

ClinVar aggregate classification (germline): Pathogenic. Review status: reviewed by expert panel (3 of 4 stars). 2 submissions from 2 submitters: Pathogenic (1). 1 of the submissions does not count toward it. Last evaluated 2026-04-23.

Conditions:
Pitt-Hopkins syndrome (PTHS). Also called: ENCEPHALOPATHY, SEVERE EPILEPTIC, WITH AUTONOMIC DYSFUNCTION; MENTAL RETARDATION, SYNDROMAL, WITH INTERMITTENT HYPERVENTILATION. Identifiers: Orphanet 2896, MedGen C1970431, MONDO:0012589, OMIM 610954.

Submissions (2):

ClinGen Rett and Angelman-like Disorders Variant Curation Expert Panel
Classification: Pathogenic for Pitt-Hopkins syndrome. Last evaluated: 2026-04-23. Review status: reviewed by expert panel. Criteria: ClinGen RettAS ACMG Specifications TCF4 V5.0.0. Collection method: curation. Allele origin: germline. Inheritance: Autosomal dominant inheritance.
Comment: The p.Arg639LysfsTer? variant in TCF4 is predicted to cause a premature stop codon that leads to a truncated or absent protein in TCF4 where loss-of-function is an established mechanism. There is significant evidence that loss of this region of the TCF4 is pathogenic (PVS1). The p.Arg639LysfsTer? variant in TCF4 occurs in the de novo state (biological parentage confirmed) in an individual previously tested at GeneDx (PS2). The p.Arg639LysfsTer? variant in TCF4 is absent from gnomAD v4.1.1 (PM2_Supporting). In summary, the p.Arg639LysfsTer? variant in TCF4 is classified as pathogenic for Pitt-Hopkins syndrome based on the ACMG/AMP criteria (PVS1, PS2, PM2_supporting). (TCF4 Specifications v5.0; curation approved on 4/23/2026)

GeneDx
Classification: Likely pathogenic. Last evaluated: 2018-03-15. Review status: criteria provided, single submitter. Criteria: GeneDx Variant Classification (06012015). Collection method: clinical testing. Allele origin: germline. Affected: yes. Not counted in ClinVar's aggregate classification.
Comment: The c.1916_1917delGA variant in the TCF4 gene has not been reported previously as a pathogenic variant, nor as a benign variant, to our knowledge. The c.1916_1917delGA variant causes a frameshift starting with codon Arginine 639, changes this amino acid to a Lysine residue, and creates a premature Stop codon at position 71 of the new reading frame, denoted p.Arg639LysfsX71. This frameshift variant replaces the typical last 33 amino acid residues in the TCF4 protein with 70 different amino acid residues. This alteration may interfere with the proper formation and/or function of the TCF4 protein. The c.1916_1917delGA variant is not observed in large population cohorts (Lek et al., 2016). We interpret c.1916_1917delGA as a likely pathogenic variant.

NM_001083962.2(TCF4):c.1916_1917del (p.Arg639fs)

Gene: TCF4 (transcription factor 4; minus strand). Cytogenetic location: 18q21.2.
Variant type: Deletion.
Coding change: c.1916_1917del on transcript NM_001083962.2 (MANE Select); coding-DNA positions 1916 to 1917, 2 bases deleted (GA; older notation c.1916_1917delGA).
Protein change: p.Arg639fs; shifts the reading frame from arginine 639.
Molecular consequence: frameshift variant.
Genome position (GRCh38, 1-based): chr18:55,228,324-55,228,325, TC deleted on the plus strand (GA on the coding strand, the reverse complement: TCF4 is on the minus strand); deleting any 2 consecutive bases within chr18:55,228,324-55,228,326 gives the same sequence; the c. name uses the placement nearest the transcript's 3' end. VCF-style (leftmost placement, unchanged base first): chr18-55228323-TTC-T. GRCh37 (hg19) VCF-style: chr18-52895554-TTC-T.
Other names: NM_001083962.2(TCF4):c.1916_1917del; p.Arg639fs; c.1904_1905del, p.Arg635fs (NM_001369571.1, NM_001369572.1, NM_003199.3); c.1901_1902del, p.Arg634fs (NM_001369573.1, NM_001369574.1); c.1844_1845del, p.Arg615fs (NM_001369575.1, NM_001243227.2, NM_001348217.1 and 1 more transcripts); c.1841_1842del, p.Arg614fs (NM_001369576.1, NM_001369577.1, NM_001369578.1 and 3 more transcripts); c.1436_1437del, p.Arg479fs (NM_001243234.2, NM_001348216.2); c.1424_1425del, p.Arg475fs (NM_001243235.2, NM_001243236.2); and 16 more; short protein forms R564fs, R597fs, R632fs, R423fs, R479fs, R505fs, R509fs, R639fs.
Identifiers: ClinVar variation 524012 (VCV000524012.6), dbSNP rs1555708227, ClinGen allele CA658799063.